The following is an entry in ClinVar:

NM_007317.3(KIF22):c.1529C>T (p.Thr510Ile)

Gene: KIF22 (kinesin family member 22; plus strand). Cytogenetic location: 16p11.2.
Variant type: single nucleotide variant.
Coding change: c.1529C>T on transcript NM_007317.3 (MANE Select); coding-DNA position 1529, C replaced by T.
Protein change: p.Thr510Ile; replaces threonine 510 with isoleucine.
Molecular consequence: missense variant.
Genome position (GRCh38, 1-based): chr16:29,803,528, C>T. VCF-style: chr16-29803528-C-T. GRCh37 (hg19) VCF-style: chr16-29814849-C-T.
Other names: c.1529C>T (NM_007317.1, NM_007317.2); c.1325C>T, p.Thr442Ile (NM_001256269.2, NM_001256270.1); short protein forms T442I, T510I.
Identifiers: ClinVar variation 1151845 (VCV001151845.11), dbSNP rs375205158, ClinGen allele CA7993317.
Genomic context (GRCh38, chr16:29,803,528, plus strand): 5'-AAGAACTGGAGGCCAAGATGTTGGCCCAGAAGGCTGAGGAAAAGGAGAACCATTGTCCCA[C>T]AATGCTCCGGCCCCTTTCACATCGCACAGTCACAGGGGCAAAGCCCCTGAAAAAGGCTGT-3'
Protein context (NP_015556.1, residues 500-520): KAEEKENHCP[Thr510Ile]MLRPLSHRTV

ClinVar aggregate classification (germline): Conflicting classifications of pathogenicity. Review status: criteria provided, conflicting classifications (1 of 4 stars). 3 submissions from 3 submitters: Uncertain significance (1); Likely benign (2). Last evaluated 2026-03-25.

Conditions:
KIF22-related disorder. Also called: KIF22-related condition.

Allele frequency attached by ClinVar (database versions not stated): gnomAD exomes 0.00005 and 0.00009; ExAC 0.00008; ESP Exome Variant Server 0.00008; TOPMed 0.00008; gnomAD 0.00010 and 0.00011.
gnomAD v4.1: 102 of 1,614,148 alleles (0.0063%); highest among the groups gnomAD compares: Middle Eastern, 0.066%; no homozygotes.

Submissions (3):

PreventionGenetics, part of Exact Sciences
Classification: Likely benign for KIF22-related condition. Last evaluated: 2026-03-25. Review status: criteria provided, single submitter. Criteria: ACMG Guidelines, 2015. Collection method: clinical testing. Allele origin: germline.
Comment: This variant is classified as likely benign based on ACMG/AMP sequence variant interpretation guidelines (Richards et al. 2015 PMID: 25741868, with internal and published modifications).

Labcorp Genetics (formerly Invitae), Labcorp
Classification: Likely benign. Last evaluated: 2025-11-01. Review status: criteria provided, single submitter. Criteria: Invitae Variant Classification Sherloc (09022015). Collection method: clinical testing. Allele origin: germline.

Ambry Genetics
Classification: Uncertain significance. Last evaluated: 2025-07-15. Review status: criteria provided, single submitter. Criteria: Ambry Variant Classification Scheme 2023. Collection method: clinical testing. Allele origin: germline.